The following is an entry in ClinVar:

ClinVar aggregate classification (germline): Likely benign (1 of 4 stars; one submission).

Allele frequency attached by ClinVar (database versions not stated): TOPMed 0.00001; gnomAD exomes 0.00003.

Submission:

CeGaT Center for Human Genetics Tuebingen
Classification: Likely benign. Last evaluated: 2022-05-01. Review status: criteria provided, single submitter. Criteria: CeGaT Center For Human Genetics Tuebingen Variant Classification Criteria Version 2. Collection method: clinical testing. Allele origin: germline. Affected: yes. Observed: 1 variant allele.
Comment: SLC12A4: BP4, BP7

NM_005072.5(SLC12A4):c.2409G>A (p.Glu803=)

Gene: SLC12A4 (solute carrier family 12 member 4; minus strand). Cytogenetic location: 16q22.1.
Variant type: single nucleotide variant.
Coding change: c.2409G>A on transcript NM_005072.5 (MANE Select); coding-DNA position 2409, G replaced by A.
Protein change: p.Glu803=; no amino-acid change (glutamic acid 803 retained).
Molecular consequence: synonymous variant.
Genome position (GRCh38, 1-based): chr16:67,946,466, C>T on the plus strand (G>A on the coding strand, the complement: SLC12A4 is on the minus strand). VCF-style: chr16-67946466-C-T. GRCh37 (hg19) VCF-style: chr16-67980369-C-T.
Other names: c.2409G>A, p.Glu803= (NM_001145961.2); c.2415G>A, p.Glu805= (NM_001145962.1); c.2391G>A, p.Glu797= (NM_001145963.2); c.2316G>A, p.Glu772= (NM_001145964.2).
Identifiers: ClinVar variation 2646648 (VCV002646648.24), dbSNP rs1048375395, ClinGen allele CA283168202.